The following is an entry in ClinVar:

ClinVar aggregate classification (germline): Uncertain significance. Review status: criteria provided, multiple submitters, no conflicts (2 of 4 stars). 2 submissions from 2 submitters: Uncertain significance (2). Last evaluated 2022-08-10.

Conditions:
Hereditary breast ovarian cancer syndrome. Also called: Hereditary breast and ovarian cancer; BRCA1- and BRCA2-Associated Hereditary Breast and Ovarian Cancer; Hereditary breast and ovarian cancer syndrome (HBOC); Hereditary breast and ovarian cancer syndrome; Breast and ovarian cancer; Hereditary breast and/or ovarian cancer syndrome. Identifiers: Orphanet 145, MedGen C0677776, MeSH D061325, MONDO:0003582. Disease mechanism: loss of function.
Hereditary cancer-predisposing syndrome. Also called: Hereditary Cancer Syndrome; Hereditary neoplastic syndrome; Neoplastic Syndromes, Hereditary; Tumor predisposition. Identifiers: Orphanet 140162, MedGen C0027672, MeSH D009386, MONDO:0015356.

Submissions (2):

Labcorp Genetics (formerly Invitae), Labcorp
Classification: Uncertain significance for Hereditary breast ovarian cancer syndrome. Last evaluated: 2022-08-10. Review status: criteria provided, single submitter. Criteria: Invitae Variant Classification Sherloc (09022015). Collection method: clinical testing. Allele origin: germline.
Comment: Advanced modeling of protein sequence and biophysical properties (such as structural, functional, and spatial information, amino acid conservation, physicochemical variation, residue mobility, and thermodynamic stability) performed at Invitae indicates that this missense variant is not expected to disrupt BRCA2 protein function. This sequence change replaces glutamic acid, which is acidic and polar, with aspartic acid, which is acidic and polar, at codon 3395 of the BRCA2 protein (p.Glu3395Asp). This variant is not present in population databases (gnomAD no frequency). This variant has not been reported in the literature in individuals affected with BRCA2-related conditions. In summary, the available evidence is currently insufficient to determine the role of this variant in disease. Therefore, it has been classified as a Variant of Uncertain Significance.

Ambry Genetics
Classification: Uncertain significance for Hereditary cancer-predisposing syndrome. Last evaluated: 2022-04-21. Review status: criteria provided, single submitter. Criteria: Ambry Variant Classification Scheme 2023. Collection method: clinical testing. Allele origin: germline.
Comment: The p.E3395D variant (also known as c.10185G>C), located in coding exon 26 of the BRCA2 gene, results from a G to C substitution at nucleotide position 10185. The glutamic acid at codon 3395 is replaced by aspartic acid, an amino acid with highly similar properties. This amino acid position is well conserved in available vertebrate species. In addition, this alteration is predicted to be tolerated by in silico analysis. Since supporting evidence is limited at this time, the clinical significance of this alteration remains unclear.

NM_000059.4(BRCA2):c.10185G>C (p.Glu3395Asp)

Gene: BRCA2 (BRCA2 DNA repair associated; plus strand). Cytogenetic location: 13q13.1.
Variant type: single nucleotide variant.
Coding change: c.10185G>C on transcript NM_000059.4 (MANE Select); coding-DNA position 10185, G replaced by C.
Protein change: p.Glu3395Asp; replaces glutamic acid 3395 with aspartic acid.
Molecular consequence: missense variant.
Genome position (GRCh38, 1-based): chr13:32,398,698, G>C. VCF-style: chr13-32398698-G-C. GRCh37 (hg19) VCF-style: chr13-32972835-G-C.
Other names: c.10089G>C, p.Glu3363Asp (NM_001406719.1); c.10134G>C, p.Glu3378Asp (NM_001406720.1); c.5253G>C, p.Glu1751Asp (NM_001406721.1); c.3768G>C, p.Glu1256Asp (NM_001406722.1); short protein forms E3363D, E3395D, E3378D, E1256D, E1751D.
Identifiers: ClinVar variation 1749384 (VCV001749384.7), dbSNP rs2137667480, ClinGen allele CA387768327.
Genomic context (GRCh38, chr13:32,398,698, plus strand): 5'-TTCAGAAGATTATCTCAGACTGAAACGACGTTGTACTACATCTCTGATCAAAGAACAGGA[G>C]AGTTCCCAGGCCAGTACGGAAGAATGTGAGAAAAATAAGCAGGACACAATTACAACTAAA-3'
Protein context (NP_000050.3, residues 3385-3405): RCTTSLIKEQ[Glu3395Asp]SSQASTEECE